The following is an entry in ClinVar:

ClinVar aggregate classification (germline): Benign/Likely benign. Review status: criteria provided, multiple submitters, no conflicts (2 of 4 stars). 8 submissions from 8 submitters: Benign (3); Likely benign (4). 1 of the submissions does not count toward it. Last evaluated 2025-11-23.

Conditions:
MYH6-related disorder. Also called: MYH6-related condition; MYH6-Related Disorders.
Cardiovascular phenotype. Identifiers: MedGen CN230736.
Cardiomyopathy (CMYO). Also called: Cardiomyopathies. Identifiers: Orphanet 167848, MedGen C0878544, MONDO:0004994, HP:0001638. Inheritance: Various modes of inheritance.
Hypertrophic cardiomyopathy 14. Identifiers: MedGen C2750467, MONDO:0013197, OMIM 613251.

Allele frequency attached by ClinVar (database versions not stated): gnomAD below 0.00001 and 0.00015; TOPMed 0.00004; gnomAD exomes 0.00031 and 0.00063; ExAC 0.00070; 1000 Genomes Project 30x 0.00094; 1000 Genomes Project 0.00120.
gnomAD v4.1: 495 of 1,614,266 alleles (0.031%); highest among the groups gnomAD compares: South Asian, 0.5%; 10 homozygotes.

Submissions (8):

Labcorp Genetics (formerly Invitae), Labcorp
Classification: Benign for Hypertrophic cardiomyopathy 14. Last evaluated: 2025-11-23. Review status: criteria provided, single submitter. Criteria: Invitae Variant Classification Sherloc (09022015). Collection method: clinical testing. Allele origin: germline.

CeGaT Center for Human Genetics Tuebingen
Classification: Likely benign. Last evaluated: 2024-06-01. Review status: criteria provided, single submitter. Criteria: CeGaT Center For Human Genetics Tuebingen Variant Classification Criteria Version 2. Collection method: clinical testing. Allele origin: germline. Affected: yes. Observed: 1 variant allele.
Comment: MYH6: BS1

Blueprint Genetics
Classification: Likely benign. Last evaluated: 2024-05-29. Review status: criteria provided, single submitter. Criteria: ACMG Guidelines, 2015. Collection method: clinical testing. Allele origin: germline.

GeneDx
Classification: Likely benign. Last evaluated: 2020-07-10. Review status: criteria provided, single submitter. Criteria: GeneDx Variant Classification Process June 2021. Collection method: clinical testing. Allele origin: germline. Affected: yes.
Comment: This variant is associated with the following publications: (PMID: 23396983, 25351510)

Laboratory for Molecular Medicine, Mass General Brigham Personalized Medicine
Classification: Benign. Last evaluated: 2019-12-23. Review status: criteria provided, single submitter. Criteria: LMM Criteria. Collection method: clinical testing. Allele origin: germline. Observed: 3 variant alleles.
Comment: The p.Leu24Ile variant in MYH6 is classified as benign because it has been identified in 0.5% (157/30616) of South Asian chromosomes and 1 homozygote by gnomAD. ACMG/AMP Criteria applied: BA1.

Ambry Genetics
Classification: Likely benign for Cardiovascular phenotype. Last evaluated: 2018-09-11. Review status: criteria provided, single submitter. Criteria: Ambry Variant Classification Scheme 2023. Collection method: clinical testing. Allele origin: germline.

CHEO Genetics Diagnostic Laboratory, Children's Hospital of Eastern Ontario
Classification: Benign for Cardiomyopathy. Last evaluated: 2017-11-28. Review status: criteria provided, single submitter. Criteria: ACMG Guidelines, 2015. Collection method: clinical testing. Allele origin: germline.

PreventionGenetics, part of Exact Sciences
Classification: Likely benign for MYH6-related condition. Last evaluated: 2021-02-03. Review status: no assertion criteria provided. Collection method: clinical testing. Allele origin: germline. Not counted in ClinVar's aggregate classification.
Comment: This variant is classified as likely benign based on ACMG/AMP sequence variant interpretation guidelines (Richards et al. 2015 PMID: 25741868, with internal and published modifications).

NM_002471.4(MYH6):c.70C>A (p.Leu24Ile)

Genes: MYH6 (myosin heavy chain 6; minus strand), LOC114827851 (VISTA enhancer hs2155; plus strand). Cytogenetic location: 14q11.2.
Variant type: single nucleotide variant.
Coding change: c.70C>A on transcript NM_002471.4 (MANE Select); coding-DNA position 70, C replaced by A.
Protein change: p.Leu24Ile; replaces leucine 24 with isoleucine.
Molecular consequence: missense variant.
Genome position (GRCh38, 1-based): chr14:23,407,154, G>T on the plus strand (C>A on the coding strand, the complement: MYH6 is on the minus strand). VCF-style: chr14-23407154-G-T. GRCh37 (hg19) VCF-style: chr14-23876363-G-T.
Other names: short protein forms L24I.
Identifiers: ClinVar variation 164260 (VCV000164260.43), dbSNP rs573489857, ClinGen allele CA176981.